The following is an entry in ClinVar:

ClinVar aggregate classification (germline): Uncertain significance. Review status: criteria provided, multiple submitters, no conflicts (2 of 4 stars). 2 submissions from 2 submitters: Uncertain significance (2). Last evaluated 2025-03-15.

Allele frequency attached by ClinVar (database versions not stated): TOPMed 0.00006; gnomAD 0.00008; ExAC 0.00016.
gnomAD v4.1: 58 of 1,567,880 alleles (0.0037%); highest among the groups gnomAD compares: Middle Eastern, 0.05%; no homozygotes.

Submissions (2):

Ambry Genetics
Classification: Uncertain significance. Last evaluated: 2025-03-15. Review status: criteria provided, single submitter. Criteria: Ambry Variant Classification Scheme 2023. Collection method: clinical testing. Allele origin: germline.

Labcorp Genetics (formerly Invitae), Labcorp
Classification: Uncertain significance. Last evaluated: 2024-12-02. Review status: criteria provided, single submitter. Criteria: Invitae Variant Classification Sherloc (09022015). Collection method: clinical testing. Allele origin: germline.
Comment: This sequence change replaces valine, which is neutral and non-polar, with methionine, which is neutral and non-polar, at codon 171 of the EXOC3L2 protein (p.Val171Met). This variant is present in population databases (rs777456650, gnomAD 0.02%). This variant has not been reported in the literature in individuals affected with EXOC3L2-related conditions. ClinVar contains an entry for this variant (Variation ID: 2143610). An algorithm developed to predict the effect of missense changes on protein structure and function (PolyPhen-2) suggests that this variant is likely to be disruptive. In summary, the available evidence is currently insufficient to determine the role of this variant in disease. Therefore, it has been classified as a Variant of Uncertain Significance.

NM_001382422.1(EXOC3L2):c.1690G>A (p.Val564Met)

Gene: EXOC3L2 (exocyst complex component 3 like 2; minus strand). Cytogenetic location: 19q13.32.
Variant type: single nucleotide variant.
Coding change: c.1690G>A on transcript NM_001382422.1 (MANE Select); coding-DNA position 1690, G replaced by A.
Protein change: p.Val564Met; replaces valine 564 with methionine.
Molecular consequence: missense variant.
Genome position (GRCh38, 1-based): chr19:45,224,807, C>T on the plus strand (G>A on the coding strand, the complement: EXOC3L2 is on the minus strand). VCF-style: chr19-45224807-C-T. GRCh37 (hg19) VCF-style: chr19-45728065-C-T.
Other names: NM_138568.3:c.511G>A; short protein forms V564M.
Identifiers: ClinVar variation 2143610 (VCV002143610.5), dbSNP rs777456650, ClinGen allele CA9510537.